The following is an entry in ClinVar:

ClinVar aggregate classification (germline): Uncertain significance (1 of 4 stars; one submission).

gnomAD v4.1: 37 of 1,577,456 alleles (0.0023%); highest among the groups gnomAD compares: Admixed American, 0.0071%; no homozygotes.

Submission:

Labcorp Genetics (formerly Invitae), Labcorp
Classification: Uncertain significance. Last evaluated: 2025-03-13. Review status: criteria provided, single submitter. Criteria: Invitae Variant Classification Sherloc (09022015). Collection method: clinical testing. Allele origin: germline.
Comment: This sequence change replaces arginine, which is basic and polar, with cysteine, which is neutral and slightly polar, at codon 228 of the PCGF2 protein (p.Arg228Cys). The frequency data for this variant in the population databases is considered unreliable, as metrics indicate poor data quality at this position in the gnomAD database. This variant has not been reported in the literature in individuals affected with PCGF2-related conditions. Invitae Evidence Modeling of protein sequence and biophysical properties (such as structural, functional, and spatial information, amino acid conservation, physicochemical variation, residue mobility, and thermodynamic stability) indicates that this missense variant is not expected to disrupt PCGF2 protein function with a negative predictive value of 80%. In summary, the available evidence is currently insufficient to determine the role of this variant in disease. Therefore, it has been classified as a Variant of Uncertain Significance.

NM_007144.3(PCGF2):c.682C>T (p.Arg228Cys)

Genes: CISD3 (CDGSH iron sulfur domain 3; plus strand), PCGF2 (polycomb group ring finger 2; minus strand). Cytogenetic location: 17q12.
Variant type: single nucleotide variant.
Coding change: c.682C>T on transcript NM_007144.3 (MANE Select); coding-DNA position 682, C replaced by T.
Protein change: p.Arg228Cys; replaces arginine 228 with cysteine.
Molecular consequence: missense variant. On other transcripts: 3 prime UTR variant (1).
Genome position (GRCh38, 1-based): chr17:38,735,576, G>A on the plus strand (C>T on the coding strand, the complement: PCGF2 is on the minus strand). VCF-style: chr17-38735576-G-A. GRCh37 (hg19) VCF-style: chr17-36891829-G-A.
Other names: c.682C>T, p.Arg228Cys (NM_001369615.1, NM_001369614.1); c.*2121G>A (NM_001136498.2); short protein forms R228C.
Identifiers: ClinVar variation 3605367 (VCV003605367.2).
Genomic context (GRCh38, chr17:38,735,576, plus strand): 5'-TGCCCTCGGAGGGGGTGGGCACCGTGGCTAGGGTGAGCCGCTTGCAGGCTGGCTGGACAC[G>A]GTACTTGAGGGGGAGAGGCCCGTTCTGCGGGGAGAGTGGGGAGGAGAGACACAGGGAAGG-3'
Protein context (NP_009075.1, residues 218-238): RRNGPLPLKY[Arg228Cys]VQPACKRLTL